The following is an entry in ClinVar:

ClinVar aggregate classification (germline): Uncertain significance (1 of 4 stars; one submission).

Conditions:
Inborn genetic diseases. Identifiers: MedGen C0950123, MeSH D030342.

gnomAD v4.1: 2 of 1,613,976 alleles (0.00012%); highest among the groups gnomAD compares: Non-Finnish European, 0.00017%; no homozygotes.

Submission:

Ambry Genetics
Classification: Uncertain significance for Inborn genetic diseases. Last evaluated: 2024-12-20. Review status: criteria provided, single submitter. Criteria: Ambry Variant Classification Scheme 2023. Collection method: clinical testing. Allele origin: germline.
Comment: The p.F74L variant (also known as c.222T>G), located in coding exon 2 of the ERCC6L2 gene, results from a T to G substitution at nucleotide position 222. The phenylalanine at codon 74 is replaced by leucine, an amino acid with highly similar properties. This amino acid position is conserved. In addition, this alteration is predicted to be tolerated by in silico analysis. Based on the available evidence, the clinical significance of this variant remains unclear.

NM_020207.7(ERCC6L2):c.222T>G (p.Phe74Leu)

Gene: ERCC6L2 (ERCC excision repair 6 like 2; plus strand). Cytogenetic location: 9q22.32.
Variant type: single nucleotide variant.
Coding change: c.222T>G on transcript NM_020207.7 (MANE Select); coding-DNA position 222, T replaced by G.
Protein change: p.Phe74Leu; replaces phenylalanine 74 with leucine.
Molecular consequence: missense variant. On other transcripts: non-coding transcript variant (1).
Genome position (GRCh38, 1-based): chr9:95,881,044, T>G. VCF-style: chr9-95881044-T-G. GRCh37 (hg19) VCF-style: chr9-98643326-T-G.
Other names: c.222T>G, p.Phe74Leu (NM_001010895.4, NM_001375291.1, NM_001375292.1 and 2 more transcripts); short protein forms F74L.
Identifiers: ClinVar variation 3845807 (VCV003845807.1).